The following is an entry in ClinVar:

NM_020812.4(DOCK6):c.2058C>T (p.Ser686=)

Gene: DOCK6 (dedicator of cytokinesis 6; minus strand). Cytogenetic location: 19p13.2.
Variant type: single nucleotide variant.
Coding change: c.2058C>T on transcript NM_020812.4 (MANE Select); coding-DNA position 2058, C replaced by T.
Protein change: p.Ser686=; no amino-acid change (serine 686 retained).
Molecular consequence: synonymous variant.
Genome position (GRCh38, 1-based): chr19:11,237,471, G>A on the plus strand (C>T on the coding strand, the complement: DOCK6 is on the minus strand). VCF-style: chr19-11237471-G-A. GRCh37 (hg19) VCF-style: chr19-11348147-G-A.
Other names: c.2058C>T, p.Ser686= (NM_001367830.1); c.2058C>T (NM_020812.3).
Identifiers: ClinVar variation 2168473 (VCV002168473.5), dbSNP rs549496660, ClinGen allele CA9207756.

ClinVar aggregate classification (germline): Likely benign. Review status: criteria provided, single submitter (1 of 4 stars). 2 submissions from 2 submitters: Likely benign (1). 1 of the submissions does not count toward it. Last evaluated 2025-03-17.

Conditions:
DOCK6-related disorder. Also called: DOCK6-related condition.

Allele frequency attached by ClinVar (database versions not stated): gnomAD exomes 0.00002; ExAC 0.00005; gnomAD 0.00008; 1000 Genomes Project 0.00040; 1000 Genomes Project 30x 0.00047.
gnomAD v4.1: 38 of 1,613,568 alleles (0.0024%); highest among the groups gnomAD compares: African/African-American, 0.02%; 1 homozygote.

Submissions (2):

Labcorp Genetics (formerly Invitae), Labcorp
Classification: Likely benign. Last evaluated: 2025-03-17. Review status: criteria provided, single submitter. Criteria: Invitae Variant Classification Sherloc (09022015). Collection method: clinical testing. Allele origin: germline.

PreventionGenetics, part of Exact Sciences
Classification: Likely benign for DOCK6-related condition. Last evaluated: 2024-07-16. Review status: no assertion criteria provided. Collection method: clinical testing. Allele origin: germline. Not counted in ClinVar's aggregate classification.
Comment: This variant is classified as likely benign based on ACMG/AMP sequence variant interpretation guidelines (Richards et al. 2015 PMID: 25741868, with internal and published modifications).